The following is an entry in ClinVar:

ClinVar aggregate classification (germline): Pathogenic/Likely pathogenic. Review status: criteria provided, multiple submitters, no conflicts (2 of 4 stars). 3 submissions from 3 submitters: Pathogenic (2); Likely pathogenic (1). Last evaluated 2024-12-17.

Conditions:
Retinitis pigmentosa 25 (RP25). Identifiers: Orphanet 791, MedGen C1864446, MONDO:0011272, OMIM 602772.

Submissions (3):

Natera, Inc.
Classification: Pathogenic for Retinitis pigmentosa type 25. Last evaluated: 2024-12-17. Review status: criteria provided, single submitter. Criteria: Natera Variant Classification Schema (03/2026). Collection method: clinical testing. Allele origin: germline.
Comment: The c.6079-2A>G variant in EYS is a canonical splice acceptor site variant predicted to affect pre-mRNA splicing, which may result in an abnormal transcript and altered protein product. This variant is expected to result in nonsense mediated decay, truncation, or a dysfunctional protein product. This variant is rare in the general population with a frequency below the threshold expected for the associated phenotype(s). This variant has been observed in one or more individuals affected with the associated recessive disease, as either homozygous or compound heterozygous with a second variant (PMID: 38347443, 31074760). Given the available evidence, this variant is classified as Pathogenic.

CeGaT Center for Human Genetics Tuebingen
Classification: Pathogenic. Last evaluated: 2023-04-01. Review status: criteria provided, single submitter. Criteria: CeGaT Center For Human Genetics Tuebingen Variant Classification Criteria Version 2. Collection method: clinical testing. Allele origin: germline. Affected: yes. Observed: 2 variant alleles.
Comment: EYS: PVS1, PM2, PM3, PP4

Labcorp Genetics (formerly Invitae), Labcorp
Classification: Likely pathogenic. Last evaluated: 2022-11-30. Review status: criteria provided, single submitter. Criteria: Invitae Variant Classification Sherloc (09022015). Collection method: clinical testing. Allele origin: germline.
Comment: Disruption of this splice site has been observed in individual(s) with reinitis pigmentosa (PMID: 31074760). This sequence change affects an acceptor splice site in intron 29 of the EYS gene. It is expected to disrupt RNA splicing. Variants that disrupt the donor or acceptor splice site typically lead to a loss of protein function (PMID: 16199547), and loss-of-function variants in EYS are known to be pathogenic (PMID: 18836446, 20333770). The frequency data for this variant in the population databases is considered unreliable, as metrics indicate poor data quality at this position in the gnomAD database. ClinVar contains an entry for this variant (Variation ID: 969700). Algorithms developed to predict the effect of sequence changes on RNA splicing suggest that this variant may disrupt the consensus splice site. In summary, the currently available evidence indicates that the variant is pathogenic, but additional data are needed to prove that conclusively. Therefore, this variant has been classified as Likely Pathogenic.

Literature cited by the submitters: PubMed 38347443 (cited by Natera, Inc.); PubMed 31074760 (cited by Natera, Inc. and Labcorp Genetics (formerly Invitae), Labcorp); PubMed 16199547 (cited by Labcorp Genetics (formerly Invitae), Labcorp); PubMed 18836446 (cited by Labcorp Genetics (formerly Invitae), Labcorp); PubMed 20333770 (cited by Labcorp Genetics (formerly Invitae), Labcorp).

NM_001142800.2(EYS):c.6079-2A>G

Gene: EYS (EGF-like photoreceptor maintenance factor; minus strand). Cytogenetic location: 6q12.
Variant type: single nucleotide variant.
Coding change: c.6079-2A>G on transcript NM_001142800.2 (MANE Select); the canonical splice acceptor site of the intron before coding-DNA position 6079, A replaced by G.
Molecular consequence: splice acceptor variant.
Genome position (GRCh38, 1-based): chr6:64,307,084, T>C on the plus strand (A>G on the coding strand, the complement: EYS is on the minus strand). VCF-style: chr6-64307084-T-C. GRCh37 (hg19) VCF-style: chr6-65016977-T-C.
Other names: c.6079-2A>G (NM_001142800.1, NM_001292009.2).
Identifiers: ClinVar variation 2499015 (VCV002499015.32), dbSNP rs1769479905, ClinGen allele CA364391928.
Genomic context (GRCh38, chr6:64,307,084, plus strand): 5'-CAGTTATTTATTTCTATAACTTCTATGCAGCCAGTAAAATTCTTGACTGGTACAGGCATC[T>C]GAGAGAGAGAGAGAGAGAGAGAAGTAGAGATAATTTAAATGATTTTCTTGAATATATTAT-3'